The following is an entry in ClinVar:

NM_015041.3(CLUAP1):c.202G>T (p.Ala68Ser)

Gene: CLUAP1 (clusterin associated protein 1; plus strand). Cytogenetic location: 16p13.3.
Variant type: single nucleotide variant.
Coding change: c.202G>T on transcript NM_015041.3 (MANE Select); coding-DNA position 202, G replaced by T.
Protein change: p.Ala68Ser; replaces alanine 68 with serine.
Molecular consequence: missense variant.
Genome position (GRCh38, 1-based): chr16:3,506,398, G>T. VCF-style: chr16-3506398-G-T. GRCh37 (hg19) VCF-style: chr16-3556398-G-T.
Other names: c.202G>T, p.Ala68Ser (NM_001330454.2); short protein forms A68S.
Identifiers: ClinVar variation 776970 (VCV000776970.14), dbSNP rs34115694, ClinGen allele CA7863640.

ClinVar aggregate classification (germline): Benign. Review status: criteria provided, multiple submitters, no conflicts (2 of 4 stars). 3 submissions from 3 submitters: Benign (2). 1 of the submissions does not count toward it. Last evaluated 2026-01-24.

Conditions:
CLUAP1-related disorder. Also called: CLUAP1-related condition.

Allele frequency attached by ClinVar (database versions not stated): gnomAD exomes 0.00598; ExAC 0.00724; gnomAD 0.02206 and 0.02369; 1000 Genomes Project 30x 0.02483; TOPMed 0.02522; 1000 Genomes Project 0.02596; ESP Exome Variant Server 0.02617.
gnomAD v4.1: 6,699 of 1,613,752 alleles (0.42%); highest among the groups gnomAD compares: African/African-American, 7.7%; 235 homozygotes.

Submissions (3):

Labcorp Genetics (formerly Invitae), Labcorp
Classification: Benign. Last evaluated: 2026-01-24. Review status: criteria provided, single submitter. Criteria: Invitae Variant Classification Sherloc (09022015). Collection method: clinical testing. Allele origin: germline.

Breakthrough Genomics
Classification: Benign. Review status: criteria provided, single submitter. Criteria: ACMG Guidelines, 2015. Collection method: not provided. Allele origin: germline. Inheritance: Unknown mechanism. Affected: yes.

PreventionGenetics, part of Exact Sciences
Classification: Benign for CLUAP1-related condition. Last evaluated: 2020-01-20. Review status: no assertion criteria provided. Collection method: clinical testing. Allele origin: germline. Not counted in ClinVar's aggregate classification.
Comment: This variant is classified as benign based on ACMG/AMP sequence variant interpretation guidelines (Richards et al. 2015 PMID: 25741868, with internal and published modifications).